The following is an entry in ClinVar:

NM_001170535.3(ATAD3A):c.2T>A (p.Met1Lys)

Genes: ATAD3A (ATPase family AAA domain containing 3A; plus strand), LOC129929133 (ATAC-STARR-seq lymphoblastoid silent region 77; plus strand). Cytogenetic location: 1p36.33.
Variant type: single nucleotide variant.
Coding change: c.2T>A on transcript NM_001170535.3 (MANE Select); coding-DNA position 2, T replaced by A.
Protein change: p.Met1Lys; changes the start codon (methionine 1).
Molecular consequence: missense variant, initiator codon variant.
Genome position (GRCh38, 1-based): chr1:1,512,270, T>A. VCF-style: chr1-1512270-T-A. GRCh37 (hg19) VCF-style: chr1-1447650-T-A.
Other names: c.2T>A, p.Met1Lys (NM_018188.5); short protein forms M1K.
Identifiers: ClinVar variation 1710696 (VCV001710696.6), dbSNP rs762349361, ClinGen allele CA525580.

ClinVar aggregate classification (germline): Likely pathogenic (1 of 4 stars; one submission).

Allele frequency attached by ClinVar (database versions not stated): TOPMed below 0.00001; ExAC 0.00003.

Submission:

GeneDx
Classification: Likely pathogenic. Last evaluated: 2025-09-27. Review status: criteria provided, single submitter. Criteria: GeneDx Variant Classification Process June 2021. Collection method: clinical testing. Allele origin: germline. Affected: yes.
Comment: Initiation codon variant in a gene for which loss of function is a known mechanism of disease; Has not been previously published as pathogenic or benign to our knowledge